The following is an entry in ClinVar:

NM_003839.4(TNFRSF11A):c.1809G>T (p.Lys603Asn)

Gene: TNFRSF11A (TNF receptor superfamily member 11a; plus strand). Cytogenetic location: 18q21.33.
Variant type: single nucleotide variant.
Coding change: c.1809G>T on transcript NM_003839.4 (MANE Select); coding-DNA position 1809, G replaced by T.
Protein change: p.Lys603Asn; replaces lysine 603 with asparagine.
Molecular consequence: missense variant. On other transcripts: 3 prime UTR variant (1).
Genome position (GRCh38, 1-based): chr18:62,384,992, G>T. VCF-style: chr18-62384992-G-T. GRCh37 (hg19) VCF-style: chr18-60052225-G-T.
Other names: c.*233G>T (NM_001270949.2); c.972G>T, p.Lys324Asn (NM_001270950.2); c.858G>T, p.Lys286Asn (NM_001270951.2); c.1767G>T, p.Lys589Asn (NM_001278268.2); short protein forms K286N, K324N, K603N, K589N.
Identifiers: ClinVar variation 1911030 (VCV001911030.5), dbSNP rs1194916930, ClinGen allele CA402621687.

ClinVar aggregate classification (germline): Uncertain significance (1 of 4 stars; one submission).

Allele frequency attached by ClinVar (database versions not stated): gnomAD exomes 0.00001.

Submission:

Labcorp Genetics (formerly Invitae), Labcorp
Classification: Uncertain significance. Last evaluated: 2025-09-10. Review status: criteria provided, single submitter. Criteria: Invitae Variant Classification Sherloc (09022015). Collection method: clinical testing. Allele origin: germline.
Comment: This sequence change replaces lysine, which is basic and polar, with asparagine, which is neutral and polar, at codon 603 of the TNFRSF11A protein (p.Lys603Asn). This variant is present in population databases (no rsID available, gnomAD 0.02%). This variant has not been reported in the literature in individuals affected with TNFRSF11A-related conditions. ClinVar contains an entry for this variant (Variation ID: 1911030). An algorithm developed to predict the effect of missense changes on protein structure and function (PolyPhen-2) suggests that this variant is likely to be tolerated. In summary, the available evidence is currently insufficient to determine the role of this variant in disease. Therefore, it has been classified as a Variant of Uncertain Significance.